The following is an entry in ClinVar:

ClinVar aggregate classification (germline): Uncertain significance (1 of 4 stars; one submission).

Conditions:
Lissencephaly due to TUBA1A mutation (CDCBM16). Also called: CORTICAL DYSPLASIA, COMPLEX, WITH OTHER BRAIN MALFORMATIONS 16; Lissencephaly 3. Identifiers: Orphanet 171680, MedGen C4305153, MONDO:0012703, OMIM 611603.

Submission:

Daryl Scott Lab, Baylor College of Medicine
Classification: Uncertain significance for Lissencephaly due to TUBA1A mutation. Review status: criteria provided, single submitter. Criteria: ACMG Guidelines, 2015. Collection method: clinical testing. Allele origin: unknown. Affected: yes. Observed: 1 heterozygote.
Comment: PM2, PP3

NM_006009.4(TUBA1A):c.422T>G (p.Phe141Cys)

Gene: TUBA1A (tubulin alpha 1a; minus strand). Cytogenetic location: 12q13.12.
Variant type: single nucleotide variant.
Coding change: c.422T>G on transcript NM_006009.4 (MANE Select); coding-DNA position 422, T replaced by G.
Protein change: p.Phe141Cys; replaces phenylalanine 141 with cysteine.
Molecular consequence: missense variant.
Genome position (GRCh38, 1-based): chr12:49,185,944, A>C on the plus strand (T>G on the coding strand, the complement: TUBA1A is on the minus strand). VCF-style: chr12-49185944-A-C. GRCh37 (hg19) VCF-style: chr12-49579727-A-C.
Other names: c.422T>G, p.Phe141Cys (NM_001270399.2); c.317T>G, p.Phe106Cys (NM_001270400.2); short protein forms F106C, F141C.
Identifiers: ClinVar variation 4279672 (VCV004279672.1).
Genomic context (GRCh38, chr12:49,185,944, plus strand): 5'-TAATCAACTGAGAGACGTTCCATGAGCAGCGAGGTGAACCCAGAACCAGTTCCCCCACCA[A>C]AGCTGTGGAAAACCAAGAAGCCCTGGAGACCCGTGCACTGGTCGGCCTATAACAAAAGAG-3'
Protein context (NP_006000.2, residues 131-151): GLQGFLVFHS[Phe141Cys]GGGTGSGFTS